The following is an entry in ClinVar:

ClinVar aggregate classification (germline): Conflicting classifications of pathogenicity. Review status: criteria provided, conflicting classifications (1 of 4 stars). 3 submissions from 3 submitters: Uncertain significance (1); Likely benign (1). 1 of the submissions does not count toward it. Last evaluated 2024-11-24.

Conditions:
Frontotemporal dementia and/or amyotrophic lateral sclerosis 6 (FTDALS6). Also called: VCP-Related Amyotrophic Lateral Sclerosis/Frontotemporal Dementia; VCP-Related Amyotrophic Lateral Sclerosis. Identifiers: Orphanet 275872, Orphanet 803, MedGen C5436279, MONDO:0013501, OMIM 613954.
Inclusion body myopathy with Paget disease of bone and frontotemporal dementia. Also called: Inclusion body myopathy with early-onset Paget disease and frontotemporal dementia. Identifiers: Orphanet 52430, MedGen C1833662, MONDO:0000507.
VCP-related disorder. Also called: VCP-related condition; VCP-related disorders.

Allele frequency attached by ClinVar (database versions not stated): gnomAD exomes 0.00001 and 0.00006; ExAC 0.00006; gnomAD 0.00006 and 0.00007; TOPMed 0.00006; ESP Exome Variant Server 0.00008; 1000 Genomes Project 0.00040; 1000 Genomes Project 30x 0.00047.
gnomAD v4.1: 34 of 1,614,088 alleles (0.0021%); highest among the groups gnomAD compares: Admixed American, 0.017%; no homozygotes.

Submissions (3):

Labcorp Genetics (formerly Invitae), Labcorp
Classification: Likely benign for Inclusion body myopathy with Paget disease of bone and frontotemporal dementia; Frontotemporal dementia and/or amyotrophic lateral sclerosis 6. Last evaluated: 2024-11-24. Review status: criteria provided, single submitter. Criteria: Invitae Variant Classification Sherloc (09022015). Collection method: clinical testing. Allele origin: germline.

CeGaT Center for Human Genetics Tuebingen
Classification: Uncertain significance. Last evaluated: 2017-07-01. Review status: criteria provided, single submitter. Criteria: CeGaT Center For Human Genetics Tuebingen Variant Classification Criteria Version 2. Collection method: clinical testing. Allele origin: germline. Affected: yes. Observed: 1 variant allele.

PreventionGenetics, part of Exact Sciences
Classification: Likely benign for VCP-related condition. Last evaluated: 2024-05-23. Review status: no assertion criteria provided. Collection method: clinical testing. Allele origin: germline. Not counted in ClinVar's aggregate classification.
Comment: This variant is classified as likely benign based on ACMG/AMP sequence variant interpretation guidelines (Richards et al. 2015 PMID: 25741868, with internal and published modifications).

NM_007126.5(VCP):c.732C>T (p.Tyr244=)

Gene: VCP (valosin containing protein; minus strand). Cytogenetic location: 9p13.3.
Variant type: single nucleotide variant.
Coding change: c.732C>T on transcript NM_007126.5 (MANE Select); coding-DNA position 732, C replaced by T.
Protein change: p.Tyr244=; no amino-acid change (tyrosine 244 retained).
Molecular consequence: synonymous variant.
Genome position (GRCh38, 1-based): chr9:35,063,057, G>A on the plus strand (C>T on the coding strand, the complement: VCP is on the minus strand). VCF-style: chr9-35063057-G-A. GRCh37 (hg19) VCF-style: chr9-35063054-G-A.
Other names: c.597C>T, p.Tyr199= (NM_001354927.2, NM_001354928.2).
Identifiers: ClinVar variation 767349 (VCV000767349.52), dbSNP rs201610567, ClinGen allele CA5039387.
Genomic context (GRCh38, chr9:35,063,057, plus strand): 5'-GGCTCCAGTCTCATTTGCTACAGCTCGAGCAATCAGGGTCTTTCCTGTTCCAGGAGGTCC[G>A]TAAAGCAGGATTCCTCTAGGAGGCTGTGGACCAATGCAGAGTGTGATTAGGTTCCCACCT-3'
Protein context (NP_009057.1, residues 234-254): GVKPPRGILL[Tyr244=]GPPGTGKTLI